The following is an entry in ClinVar:

ClinVar aggregate classification (germline): Uncertain significance (1 of 4 stars; one submission).

Conditions:
Autosomal dominant nonsyndromic hearing loss 1. Also called: KONIGSMARK SYNDROME; DEAFNESS, AUTOSOMAL DOMINANT 1, WITH OR WITHOUT THROMBOCYTOPENIA. Identifiers: Orphanet 90635, MedGen C1852282, MONDO:0007424, OMIM 124900.
Progressive microcephaly-seizures-cortical blindness-developmental delay syndrome. Also called: Seizures, cortical blindness, and microcephaly syndrome. Identifiers: Orphanet 477814, MedGen C5567650, MONDO:0014714, OMIM 616632.

Submission:

Labcorp Genetics (formerly Invitae), Labcorp
Classification: Uncertain significance for Progressive microcephaly-seizures-cortical blindness-developmental delay syndrome; Autosomal dominant nonsyndromic hearing loss 1. Last evaluated: 2023-12-25. Review status: criteria provided, single submitter. Criteria: Invitae Variant Classification Sherloc (09022015). Collection method: clinical testing. Allele origin: germline.
Comment: This sequence change affects codon 49 of the DIAPH1 mRNA. It is a 'silent' change, meaning that it does not change the encoded amino acid sequence of the DIAPH1 protein. This variant is not present in population databases (gnomAD no frequency). This variant has not been reported in the literature in individuals affected with DIAPH1-related conditions. Algorithms developed to predict the effect of sequence changes on RNA splicing suggest that this variant may create or strengthen a splice site. In summary, the available evidence is currently insufficient to determine the role of this variant in disease. Therefore, it has been classified as a Variant of Uncertain Significance.

NM_005219.5(DIAPH1):c.147G>A (p.Leu49=)

Gene: DIAPH1 (diaphanous related formin 1; minus strand). Cytogenetic location: 5q31.3.
Variant type: single nucleotide variant.
Coding change: c.147G>A on transcript NM_005219.5 (MANE Select); coding-DNA position 147, G replaced by A.
Protein change: p.Leu49=; no amino-acid change (leucine 49 retained).
Molecular consequence: synonymous variant.
Genome position (GRCh38, 1-based): chr5:141,587,195, C>T on the plus strand (G>A on the coding strand, the complement: DIAPH1 is on the minus strand). VCF-style: chr5-141587195-C-T. GRCh37 (hg19) VCF-style: chr5-140966762-C-T.
Other names: c.120G>A, p.Leu40= (NM_001079812.3); c.147G>A, p.Leu49= (NM_001314007.2).
Identifiers: ClinVar variation 2951034 (VCV002951034.3), dbSNP rs2513781424, ClinGen allele CA446893957.
Genomic context (GRCh38, chr5:141,587,195, plus strand): 5'-TCTATGAGCAGAATTGGGCTTTTCCTTCTCCTTCTTAATTCTCATGCTGGTAAATCTCTC[C>T]AGCTGAGAAACAGAAAAAAGCATTAGCAGTGATCCATTTTCACTTACATAACAAGCCACA-3'
Protein context (NP_005210.3, residues 39-59): FTLKRLMADE[Leu49=]ERFTSMRIKK